The following is an entry in ClinVar:

NM_006005.3(WFS1):c.623A>C (p.Asn208Thr)

Gene: WFS1 (wolframin ER transmembrane glycoprotein; plus strand). Cytogenetic location: 4p16.1.
Variant type: single nucleotide variant.
Coding change: c.623A>C on transcript NM_006005.3 (MANE Select); coding-DNA position 623, A replaced by C.
Protein change: p.Asn208Thr; replaces asparagine 208 with threonine.
Molecular consequence: missense variant.
Genome position (GRCh38, 1-based): chr4:6,291,359, A>C. VCF-style: chr4-6291359-A-C. GRCh37 (hg19) VCF-style: chr4-6293086-A-C.
Other names: c.623A>C, p.Asn208Thr (NM_001145853.1); short protein forms N208T.
Identifiers: ClinVar variation 2672986 (VCV002672986.24), dbSNP rs776488772, ClinGen allele CA2838952.

ClinVar aggregate classification (germline): Uncertain significance. Review status: criteria provided, multiple submitters, no conflicts (2 of 4 stars). 2 submissions from 2 submitters: Uncertain significance (2). Last evaluated 2024-04-01.

Conditions:
Wolfram syndrome 1 (WFS1). Identifiers: Orphanet 3463, MedGen C4551693, MONDO:0009101, OMIM 222300.
Autosomal dominant nonsyndromic hearing loss 6 (LFSNHL). Also called: Autosomal dominant nonsyndromic deafness 6; DEAFNESS, AUTOSOMAL DOMINANT 6; DEAFNESS, AUTOSOMAL DOMINANT 14; DEAFNESS, AUTOSOMAL DOMINANT 38. Identifiers: Orphanet 90635, MedGen C1833021, MONDO:0010963, OMIM 600965.
Wolfram-like syndrome. Also called: HEARING LOSS, PROGRESSIVE, WITH OPTIC ATROPHY AND/OR IMPAIRED GLUCOSE REGULATION. Identifiers: Orphanet 411590, MedGen C3280358, MONDO:0013673, OMIM 614296.
Cataract 41 (CTRCT41). Also called: CATARACT 41, CONGENITAL NUCLEAR TYPE. Identifiers: Orphanet 91492, Orphanet 98991, Orphanet 98992, Orphanet 98995, MedGen C3805412, MONDO:0007287, OMIM 116400.
Type 2 diabetes mellitus. Also called: Type II diabetes mellitus. Identifiers: MedGen C0011860, MeSH D003924, MONDO:0005148, OMIM 125853, HP:0005978.

Allele frequency attached by ClinVar (database versions not stated): ExAC 0.00002.
gnomAD v4.1: 6 of 1,612,696 alleles (0.00037%); highest among the groups gnomAD compares: Non-Finnish European, 0.00051%; no homozygotes.

Submissions (2):

Fulgent Genetics
Classification: Uncertain significance for Cataract 41; Type 2 diabetes mellitus; Wolfram syndrome 1; Autosomal dominant nonsyndromic hearing loss 6; Wolfram-like syndrome. Last evaluated: 2024-04-01. Review status: criteria provided, single submitter. Criteria: ACMG Guidelines, 2015. Collection method: clinical testing. Allele origin: germline.

CeGaT Center for Human Genetics Tuebingen
Classification: Uncertain significance. Last evaluated: 2023-11-01. Review status: criteria provided, single submitter. Criteria: CeGaT Center For Human Genetics Tuebingen Variant Classification Criteria Version 2. Collection method: clinical testing. Allele origin: germline. Affected: yes. Observed: 1 variant allele.
Comment: WFS1: PM2